The following is an entry in ClinVar:

NM_004260.4(RECQL4):c.2165C>T (p.Thr722Ile)

Gene: RECQL4 (RecQ like helicase 4; minus strand). Cytogenetic location: 8q24.3.
Variant type: single nucleotide variant.
Coding change: c.2165C>T on transcript NM_004260.4 (MANE Select); coding-DNA position 2165, C replaced by T.
Protein change: p.Thr722Ile; replaces threonine 722 with isoleucine.
Molecular consequence: missense variant.
Genome position (GRCh38, 1-based): chr8:144,513,606, G>A on the plus strand (C>T on the coding strand, the complement: RECQL4 is on the minus strand). VCF-style: chr8-144513606-G-A. GRCh37 (hg19) VCF-style: chr8-145738990-G-A.
Other names: c.2069C>T, p.Thr690Ile (NM_001413017.1, NM_001413020.1); c.2165C>T, p.Thr722Ile (NM_001413018.1, NM_001413019.1, NM_001413036.1); c.896C>T, p.Thr299Ile (NM_001413031.1); c.1028C>T, p.Thr343Ile (NM_001413032.1, NM_001413027.1, NM_001413030.1 and 1 more transcripts); c.2033C>T, p.Thr678Ile (NM_001413033.1); c.1094C>T, p.Thr365Ile (NM_001413034.1, NM_001413035.1, NM_001413038.1 and 6 more transcripts); c.962C>T, p.Thr321Ile (NM_001413037.1); c.2135C>T, p.Thr712Ile (NM_001413039.1); and 4 more; short protein forms T233I, T299I, T321I, T343I, T355I, T365I, T605I, T678I.
Identifiers: ClinVar variation 2414553 (VCV002414553.6), dbSNP rs985482776, ClinGen allele CA372679682.
Genomic context (GRCh38, chr8:144,513,606, plus strand): 5'-GACACCAGCTCTGTCCATGCCGCACCTCCAGACCCTGGGACCCAGGCTGCGTGCAGGCAG[G>A]TTCGGAGGAGCGCAGCGATCCGCTCTGTGTCCTCGCGCCGGTTGCAGTAAATGATAATGG-3'
Protein context (NP_004251.4, residues 712-732): DTERIAALLR[Thr722Ile]CLHAAWVPGS

ClinVar aggregate classification (germline): Uncertain significance (1 of 4 stars; one submission).

Conditions:
Baller-Gerold syndrome (BGS). Also called: CRANIOSYNOSTOSIS WITH RADIAL DEFECTS. Identifiers: Orphanet 1225, MedGen C0265308, MONDO:0009039, OMIM 218600.

Submission:

Labcorp Genetics (formerly Invitae), Labcorp
Classification: Uncertain significance for Baller-Gerold syndrome. Last evaluated: 2024-05-22. Review status: criteria provided, single submitter. Criteria: Invitae Variant Classification Sherloc (09022015). Collection method: clinical testing. Allele origin: germline.
Comment: This sequence change replaces threonine, which is neutral and polar, with isoleucine, which is neutral and non-polar, at codon 722 of the RECQL4 protein (p.Thr722Ile). This variant is present in population databases (no rsID available, gnomAD 0.004%). This variant has not been reported in the literature in individuals affected with RECQL4-related conditions. ClinVar contains an entry for this variant (Variation ID: 2414553). Advanced modeling of protein sequence and biophysical properties (such as structural, functional, and spatial information, amino acid conservation, physicochemical variation, residue mobility, and thermodynamic stability) performed at Invitae indicates that this missense variant is not expected to disrupt RECQL4 protein function with a negative predictive value of 80%. In summary, the available evidence is currently insufficient to determine the role of this variant in disease. Therefore, it has been classified as a Variant of Uncertain Significance.